The following is an entry in ClinVar:

NM_012414.4(RAB3GAP2):c.116-86T>C

Gene: RAB3GAP2 (RAB3 GTPase activating non-catalytic protein subunit 2; minus strand). Cytogenetic location: 1q41.
Variant type: single nucleotide variant.
Coding change: c.116-86T>C on transcript NM_012414.4 (MANE Select); 86 bases into the intron before coding-DNA position 116, T replaced by C.
Molecular consequence: intron variant.
Genome position (GRCh38, 1-based): chr1:220,232,949, A>G on the plus strand (T>C on the coding strand, the complement: RAB3GAP2 is on the minus strand). VCF-style: chr1-220232949-A-G. GRCh37 (hg19) VCF-style: chr1-220406291-A-G.
Identifiers: ClinVar variation 673980 (VCV000673980.2), dbSNP rs10863538, ClinGen allele CA15116147.
Genomic context (GRCh38, chr1:220,232,949, plus strand): 5'-TTGCATGAAATATAGGGCTTTAAATATCTTTAAAGCATTTTTTCTAAACATCATAGAACC[A>G]ACCCCTGTATAATGCTGATATTAAGAAAGAAAATAAGGGTAAACTGTGTTATACCAGGAT-3'

ClinVar aggregate classification (germline): Benign. Review status: criteria provided, multiple submitters, no conflicts (2 of 4 stars). 2 submissions from 2 submitters: Benign (2). Last evaluated 2018-06-19.

Allele frequency attached by ClinVar (database versions not stated): gnomAD exomes 0.35929; gnomAD 0.45927 and 0.46438; TOPMed 0.48187; 1000 Genomes Project 0.50080; 1000 Genomes Project 30x 0.50297.
gnomAD v4.1: 408,437 of 1,092,776 alleles (37%); highest among the groups gnomAD compares: African/African-American, 71%; 82,576 homozygotes.

Submissions (2):

GeneDx
Classification: Benign. Last evaluated: 2018-06-19. Review status: criteria provided, single submitter. Criteria: GeneDx Variant Classification (06012015). Collection method: clinical testing. Allele origin: germline. Affected: yes.
Comment: This variant is considered likely benign or benign based on one or more of the following criteria: it is a conservative change, it occurs at a poorly conserved position in the protein, it is predicted to be benign by multiple in silico algorithms, and/or has population frequency not consistent with disease.

Breakthrough Genomics
Classification: Benign. Review status: criteria provided, single submitter. Criteria: ACMG Guidelines, 2015. Collection method: not provided. Allele origin: germline. Inheritance: Autosomal recessive inheritance. Affected: yes.